The following is an entry in ClinVar:

ClinVar aggregate classification (germline): Uncertain significance (1 of 4 stars; one submission).

Conditions:
Facioscapulohumeral muscular dystrophy 2 (FSHD2). Also called: MUSCULAR DYSTROPHY, FACIOSCAPULOHUMERAL, TYPE 1B; FACIOSCAPULOHUMERAL MUSCULAR DYSTROPHY 2, DIGENIC; FSHD2, DIGENIC. Identifiers: Orphanet 269, MedGen C1834671, MONDO:0008031, OMIM 158901.

Submission:

Labcorp Genetics (formerly Invitae), Labcorp
Classification: Uncertain significance for Facioscapulohumeral muscular dystrophy 2. Last evaluated: 2025-06-08. Review status: criteria provided, single submitter. Criteria: Invitae Variant Classification Sherloc (09022015). Collection method: clinical testing. Allele origin: germline.
Comment: This sequence change replaces asparagine, which is neutral and polar, with lysine, which is basic and polar, at codon 547 of the SMCHD1 protein (p.Asn547Lys). This variant is not present in population databases (gnomAD no frequency). This variant has not been reported in the literature in individuals affected with SMCHD1-related conditions. Invitae Evidence Modeling of protein sequence and biophysical properties (such as structural, functional, and spatial information, amino acid conservation, physicochemical variation, residue mobility, and thermodynamic stability) indicates that this missense variant is not expected to disrupt SMCHD1 protein function with a negative predictive value of 80%. In summary, the available evidence is currently insufficient to determine the role of this variant in disease. Therefore, it has been classified as a Variant of Uncertain Significance.

NM_015295.3(SMCHD1):c.1641T>A (p.Asn547Lys)

Gene: SMCHD1 (structural maintenance of chromosomes flexible hinge domain containing 1; plus strand). Cytogenetic location: 18p11.32.
Variant type: single nucleotide variant.
Coding change: c.1641T>A on transcript NM_015295.3 (MANE Select); coding-DNA position 1641, T replaced by A.
Protein change: p.Asn547Lys; replaces asparagine 547 with lysine.
Molecular consequence: missense variant.
Genome position (GRCh38, 1-based): chr18:2,700,912, T>A. VCF-style: chr18-2700912-T-A. GRCh37 (hg19) VCF-style: chr18-2700910-T-A.
Other names: short protein forms N547K.
Identifiers: ClinVar variation 4741907 (VCV004741907.1).